The following is an entry in ClinVar:

NC_000007.14:g.156769341G>A

Genes: LMBR1 (limb development membrane protein 1; minus strand), SHH (sonic hedgehog signaling molecule; minus strand). Cytogenetic location: 7q36.3.
Variant type: single nucleotide variant.
Molecular consequence: intron variant (on NM_022458.4).
Genome position: GRCh38 VCF-style: chr7-156769341-G-A. GRCh37 (hg19) VCF-style: chr7-156562035-G-A.
Other names: c.361-5546C>T (NM_001363412.2); c.145-5546C>T (NM_001350954.2); c.424-5546C>T (NM_001363410.2, NM_022458.4, NM_001363409.2 and 1 more transcripts); c.-33-5546C>T (NM_001350958.2, NM_001350956.2, NM_001350955.2 and 1 more transcripts); c.55-5546C>T (NM_001350957.2, NM_001363411.2).
Identifiers: ClinVar variation 2876370 (VCV002876370.3), dbSNP rs1824743294, ClinGen allele CA1755247670.

ClinVar aggregate classification (germline): Uncertain significance (1 of 4 stars; one submission).

Conditions:
Holoprosencephaly 3 (HPE3). Identifiers: Orphanet 2162, MedGen C1840529, MONDO:0007733, OMIM 142945.

Allele frequency attached by ClinVar (database versions not stated): TOPMed 0.00002.

Submission:

Labcorp Genetics (formerly Invitae), Labcorp
Classification: Uncertain significance for Holoprosencephaly 3. Last evaluated: 2022-11-19. Review status: criteria provided, single submitter. Criteria: Invitae Variant Classification Sherloc (09022015). Collection method: clinical testing. Allele origin: germline.
Comment: In summary, the available evidence is currently insufficient to determine the role of this variant in disease. Therefore, it has been classified as a Variant of Uncertain Significance. Experimental studies and prediction algorithms are not available or were not evaluated, and the functional significance of this variant is currently unknown. This variant has not been reported in the literature in individuals affected with SHH-related conditions. This variant is not present in population databases (gnomAD no frequency). This variant occurs in a non-coding region of the SHH gene. It does not change the encoded amino acid sequence of the SHH protein.